The following is an entry in ClinVar:

ClinVar aggregate classification (germline): Uncertain significance (1 of 4 stars; one submission).

gnomAD v4.1: 19 of 1,613,562 alleles (0.0012%); highest among the groups gnomAD compares: Non-Finnish European, 0.0016%; no homozygotes.

Submission:

Labcorp Genetics (formerly Invitae), Labcorp
Classification: Uncertain significance. Last evaluated: 2025-07-07. Review status: criteria provided, single submitter. Criteria: Invitae Variant Classification Sherloc (09022015). Collection method: clinical testing. Allele origin: germline.
Comment: This sequence change replaces valine, which is neutral and non-polar, with isoleucine, which is neutral and non-polar, at codon 737 of the ARHGEF10 protein (p.Val737Ile). This variant is present in population databases (rs746200283, gnomAD 0.0009%). This variant has not been reported in the literature in individuals affected with ARHGEF10-related conditions. Invitae Evidence Modeling of protein sequence and biophysical properties (such as structural, functional, and spatial information, amino acid conservation, physicochemical variation, residue mobility, and thermodynamic stability) indicates that this missense variant is not expected to disrupt ARHGEF10 protein function with a negative predictive value of 80%. In summary, the available evidence is currently insufficient to determine the role of this variant in disease. Therefore, it has been classified as a Variant of Uncertain Significance.

NM_014629.4(ARHGEF10):c.2209G>A (p.Val737Ile)

Genes: ARHGEF10 (Rho guanine nucleotide exchange factor 10; plus strand), LOC126860281 (CDK7 strongly-dependent group 2 enhancer GRCh37_chr8:1870370-1871569; plus strand). Cytogenetic location: 8p23.3.
Variant type: single nucleotide variant.
Coding change: c.2209G>A on transcript NM_014629.4 (MANE Select); coding-DNA position 2209, G replaced by A.
Protein change: p.Val737Ile; replaces valine 737 with isoleucine.
Molecular consequence: missense variant.
Genome position (GRCh38, 1-based): chr8:1,923,029, G>A. VCF-style: chr8-1923029-G-A. GRCh37 (hg19) VCF-style: chr8-1871195-G-A.
Other names: c.2212G>A, p.Val738Ile (NM_001438091.1); c.2092G>A, p.Val698Ile (NM_001438092.1, NM_001438093.1); c.2095G>A, p.Val699Ile (NM_001438094.1, NM_001308152.2); c.2209G>A, p.Val737Ile (NM_001308153.3); short protein forms V698I, V738I, V699I, V761I, V737I.
Identifiers: ClinVar variation 4777759 (VCV004777759.1).